The following is an entry in ClinVar:

ClinVar aggregate classification (germline): Uncertain significance. Review status: criteria provided, multiple submitters, no conflicts (2 of 4 stars). 3 submissions from 3 submitters: Uncertain significance (3). Last evaluated 2026-01-26.

Allele frequency attached by ClinVar (database versions not stated): gnomAD exomes 0.00002; gnomAD 0.00009; TOPMed 0.00009; ExAC 0.00010; ESP Exome Variant Server 0.00046.
gnomAD v4.1: 41 of 1,613,992 alleles (0.0025%); highest among the groups gnomAD compares: African/African-American, 0.031%; no homozygotes.

Submissions (3):

GeneDx
Classification: Uncertain significance. Last evaluated: 2026-01-26. Review status: criteria provided, single submitter. Criteria: GeneDx Variant Classification Process June 2021. Collection method: clinical testing. Allele origin: germline.
Comment: In silico analysis suggests that this missense variant does not alter protein structure/function; Has not been previously published as pathogenic or benign to our knowledge

Ambry Genetics
Classification: Uncertain significance. Last evaluated: 2023-08-21. Review status: criteria provided, single submitter. Criteria: Ambry Variant Classification Scheme 2023. Collection method: clinical testing. Allele origin: germline.

Labcorp Genetics (formerly Invitae), Labcorp
Classification: Uncertain significance. Last evaluated: 2022-07-15. Review status: criteria provided, single submitter. Criteria: Invitae Variant Classification Sherloc (09022015). Collection method: clinical testing. Allele origin: germline.
Comment: This sequence change replaces valine, which is neutral and non-polar, with methionine, which is neutral and non-polar, at codon 664 of the FCHO1 protein (p.Val664Met). This variant is present in population databases (rs139087280, gnomAD 0.03%). This variant has not been reported in the literature in individuals affected with FCHO1-related conditions. Algorithms developed to predict the effect of missense changes on protein structure and function output the following: SIFT: "Deleterious"; PolyPhen-2: "Benign"; Align-GVGD: "Class C0". The methionine amino acid residue is found in multiple mammalian species, which suggests that this missense change does not adversely affect protein function. In summary, the available evidence is currently insufficient to determine the role of this variant in disease. Therefore, it has been classified as a Variant of Uncertain Significance.

NM_015122.3(FCHO1):c.1990G>A (p.Val664Met)

Gene: FCHO1 (FCH and mu domain containing endocytic adaptor 1; plus strand). Cytogenetic location: 19p13.11.
Variant type: single nucleotide variant.
Coding change: c.1990G>A on transcript NM_015122.3 (MANE Select); coding-DNA position 1990, G replaced by A.
Protein change: p.Val664Met; replaces valine 664 with methionine.
Molecular consequence: missense variant. On other transcripts: non-coding transcript variant (36).
Genome position (GRCh38, 1-based): chr19:17,783,069, G>A. VCF-style: chr19-17783069-G-A. GRCh37 (hg19) VCF-style: chr19-17893878-G-A.
Other names: c.1990G>A (NM_001161357.1); c.1990G>A, p.Val664Met (NM_001161357.2, NM_001161358.2, NM_001384370.1 and 13 more transcripts); c.1840G>A, p.Val614Met (NM_001161359.2, NM_001384384.1, NM_001384385.1 and 1 more transcripts); c.1873G>A, p.Val625Met (NM_001384393.1, NM_001384394.1, NM_001384395.1 and 1 more transcripts); c.1714G>A, p.Val572Met (NM_001384396.1, NM_001384397.1, NM_001384398.1 and 5 more transcripts); c.1669G>A, p.Val557Met (NM_001384403.1); c.1951G>A, p.Val651Met (NM_001384405.1, NM_001384388.1, NM_001384389.1); c.1564G>A, p.Val522Met (NM_001384406.1); and 2 more; short protein forms V474M, V572M, V625M, V664M, V522M, V639M, V651M, V557M.
Identifiers: ClinVar variation 2184218 (VCV002184218.4), dbSNP rs139087280, ClinGen allele CA9300712.
Genomic context (GRCh38, chr19:17,783,069, plus strand): 5'-CTCCCTAGCTGCCTGGCTCGAGTAACTGGGGAGCTGACCATGACCTTCCCTGCTGGCATC[G>A]TGCGTGTGTTCAGCGGGACCCCACCACCACCTGTCCTCAGCTTCCGGCTTGTACACACAA-3'
Protein context (NP_055937.1, residues 654-674): ELTMTFPAGI[Val664Met]RVFSGTPPPP